The following is an entry in ClinVar:

ClinVar aggregate classification (germline): Uncertain significance (1 of 4 stars; one submission).

Conditions:
Biotin-responsive basal ganglia disease (BTBGD). Also called: Thiamine metabolism dysfunction syndrome type 2; Thiamine metabolism dysfunction syndrome 2 (biotin- or thiamine-responsive encephalopathy type 2); thiamine-responsive encephalopathy; Thiamine Transporter-2 Deficiency; THIAMINE METABOLISM DYSFUNCTION SYNDROME 2 (BIOTIN- AND THIAMINE-RESPONSIVE TYPE). Identifiers: Orphanet 199348, Orphanet 65284, MedGen C1843807, MONDO:0011841, OMIM 607483.

Submission:

Labcorp Genetics (formerly Invitae), Labcorp
Classification: Uncertain significance for Biotin-responsive basal ganglia disease. Last evaluated: 2022-06-22. Review status: criteria provided, single submitter. Criteria: Invitae Variant Classification Sherloc (09022015). Collection method: clinical testing. Allele origin: germline.
Comment: This sequence change replaces leucine, which is neutral and non-polar, with valine, which is neutral and non-polar, at codon 68 of the SLC19A3 protein (p.Leu68Val). In summary, the available evidence is currently insufficient to determine the role of this variant in disease. Therefore, it has been classified as a Variant of Uncertain Significance. Advanced modeling of protein sequence and biophysical properties (such as structural, functional, and spatial information, amino acid conservation, physicochemical variation, residue mobility, and thermodynamic stability) performed at Invitae indicates that this missense variant is not expected to disrupt SLC19A3 protein function. This variant has not been reported in the literature in individuals affected with SLC19A3-related conditions. This variant is not present in population databases (gnomAD no frequency).

NM_025243.4(SLC19A3):c.202C>G (p.Leu68Val)

Gene: SLC19A3 (solute carrier family 19 member 3; minus strand). Cytogenetic location: 2q36.3.
Variant type: single nucleotide variant.
Coding change: c.202C>G on transcript NM_025243.4 (MANE Select); coding-DNA position 202, C replaced by G.
Protein change: p.Leu68Val; replaces leucine 68 with valine.
Molecular consequence: missense variant.
Genome position (GRCh38, 1-based): chr2:227,699,513, G>C on the plus strand (C>G on the coding strand, the complement: SLC19A3 is on the minus strand). VCF-style: chr2-227699513-G-C. GRCh37 (hg19) VCF-style: chr2-228564229-G-C.
Other names: c.202C>G, p.Leu68Val (NM_001371411.1, NM_001371412.1); c.190C>G, p.Leu64Val (NM_001371413.1, NM_001371414.1); short protein forms L64V, L68V.
Identifiers: ClinVar variation 2009509 (VCV002009509.4), dbSNP rs1431161790, ClinGen allele CA350877718.